The following is an entry in ClinVar:

ClinVar aggregate classification (germline): Uncertain significance (1 of 4 stars; one submission).

Conditions:
Combined immunodeficiency due to ORAI1 deficiency. Also called: IMMUNODEFICIENCY 9. Identifiers: Orphanet 169090, Orphanet 317428, MedGen C2748568, MONDO:0013007, OMIM 612782.
Myopathy, tubular aggregate, 2 (TAM2). Identifiers: MedGen C4014557, MONDO:0014383, OMIM 615883.

Allele frequency attached by ClinVar (database versions not stated): TOPMed 0.00001; gnomAD exomes 0.00002; gnomAD 0.00025 and 0.00026.

Submission:

Labcorp Genetics (formerly Invitae), Labcorp
Classification: Uncertain significance for Myopathy, tubular aggregate, 2; Combined immunodeficiency due to ORAI1 deficiency. Last evaluated: 2024-11-06. Review status: criteria provided, single submitter. Criteria: Invitae Variant Classification Sherloc (09022015). Collection method: clinical testing. Allele origin: germline.
Comment: This sequence change replaces proline, which is neutral and non-polar, with serine, which is neutral and polar, at codon 39 of the ORAI1 protein (p.Pro39Ser). The frequency data for this variant in the population databases is considered unreliable, as metrics indicate poor data quality at this position in the gnomAD database. This variant has not been reported in the literature in individuals affected with ORAI1-related conditions. ClinVar contains an entry for this variant (Variation ID: 1423850). Experimental studies and prediction algorithms are not available or were not evaluated, and the functional significance of this variant is currently unknown. In summary, the available evidence is currently insufficient to determine the role of this variant in disease. Therefore, it has been classified as a Variant of Uncertain Significance.

NC_000012.12:g.121626857C>T

Genes: ORAI1 (ORAI calcium release-activated calcium modulator 1; plus strand), LOC130008987 (ATAC-STARR-seq lymphoblastoid silent region 4981; plus strand). Cytogenetic location: 12q24.31.
Variant type: single nucleotide variant.
Genome position: GRCh38 VCF-style: chr12-121626857-C-T. GRCh37 (hg19) VCF-style: chr12-122064762-C-T.
Other names: c.115C>T, p.Pro39Ser (NM_032790.4); short protein forms P39S.
Identifiers: ClinVar variation 1423850 (VCV001423850.10), dbSNP rs782531427, ClinGen allele CA6837414.